The following is an entry in ClinVar:

NM_002972.4(SBF1):c.667G>T (p.Val223Leu)

Gene: SBF1 (SET binding factor 1; minus strand). Cytogenetic location: 22q13.33.
Variant type: single nucleotide variant.
Coding change: c.667G>T on transcript NM_002972.4 (MANE Select); coding-DNA position 667, G replaced by T.
Protein change: p.Val223Leu; replaces valine 223 with leucine.
Molecular consequence: missense variant.
Genome position (GRCh38, 1-based): chr22:50,466,471, C>A on the plus strand (G>T on the coding strand, the complement: SBF1 is on the minus strand). VCF-style: chr22-50466471-C-A. GRCh37 (hg19) VCF-style: chr22-50904900-C-A.
Other names: c.670G>T, p.Val224Leu (NM_001365819.1, NM_001410794.1); c.667G>T, p.Val223Leu (NM_001410795.1, NM_197971.1); short protein forms V224L, V223L.
Identifiers: ClinVar variation 2702793 (VCV002702793.3), dbSNP rs371753373, ClinGen allele CA412221857.

ClinVar aggregate classification (germline): Uncertain significance (1 of 4 stars; one submission).

gnomAD v4.1: 1 of 1,547,736 alleles (0.000065%); highest among the groups gnomAD compares: Non-Finnish European, 0.000087%; no homozygotes.

Submission:

Labcorp Genetics (formerly Invitae), Labcorp
Classification: Uncertain significance. Last evaluated: 2023-12-26. Review status: criteria provided, single submitter. Criteria: Invitae Variant Classification Sherloc (09022015). Collection method: clinical testing. Allele origin: germline.
Comment: This sequence change replaces valine, which is neutral and non-polar, with leucine, which is neutral and non-polar, at codon 223 of the SBF1 protein (p.Val223Leu). This variant is not present in population databases (gnomAD no frequency). This variant has not been reported in the literature in individuals affected with SBF1-related conditions. Advanced modeling of protein sequence and biophysical properties (such as structural, functional, and spatial information, amino acid conservation, physicochemical variation, residue mobility, and thermodynamic stability) performed at Invitae indicates that this missense variant is expected to disrupt SBF1 protein function with a positive predictive value of 80%. In summary, the available evidence is currently insufficient to determine the role of this variant in disease. Therefore, it has been classified as a Variant of Uncertain Significance.